The following is an entry in ClinVar:

NM_138383.3(MTSS2):c.2223G>C (p.Arg741Ser)

Gene: MTSS2 (MTSS I-BAR domain containing 2; minus strand). Cytogenetic location: 16q22.1.
Variant type: single nucleotide variant.
Coding change: c.2223G>C on transcript NM_138383.3 (MANE Select); coding-DNA position 2223, G replaced by C.
Protein change: p.Arg741Ser; replaces arginine 741 with serine.
Molecular consequence: missense variant.
Genome position (GRCh38, 1-based): chr16:70,663,698, C>G on the plus strand (G>C on the coding strand, the complement: MTSS2 is on the minus strand). VCF-style: chr16-70663698-C-G. GRCh37 (hg19) VCF-style: chr16-70697601-C-G.
Other names: short protein forms R741S.
Identifiers: ClinVar variation 4529591 (VCV004529591.1).

ClinVar aggregate classification (germline): Uncertain significance (1 of 4 stars; one submission).

Submission:

GeneDx
Classification: Uncertain significance. Last evaluated: 2025-05-14. Review status: criteria provided, single submitter. Criteria: GeneDx Variant Classification Process June 2021. Collection method: clinical testing. Allele origin: germline. Affected: yes.
Comment: Not observed at significant frequency in large population cohorts (gnomAD); In silico analysis supports that this missense variant has a deleterious effect on protein structure/function; Has not been previously published as pathogenic or benign to our knowledge